The following is an entry in ClinVar:

NM_020921.4(NIN):c.926G>C (p.Arg309Thr)

Gene: NIN (ninein; minus strand). Cytogenetic location: 14q22.1.
Variant type: single nucleotide variant.
Coding change: c.926G>C on transcript NM_020921.4 (MANE Select); coding-DNA position 926, G replaced by C.
Protein change: p.Arg309Thr; replaces arginine 309 with threonine.
Molecular consequence: missense variant.
Genome position (GRCh38, 1-based): chr14:50,772,356, C>G on the plus strand (G>C on the coding strand, the complement: NIN is on the minus strand). VCF-style: chr14-50772356-C-G. GRCh37 (hg19) VCF-style: chr14-51239074-C-G.
Other names: c.926G>C, p.Arg309Thr (NM_016350.5, NM_182944.3, NM_182946.2); short protein forms R309T.
Identifiers: ClinVar variation 4747830 (VCV004747830.1).

ClinVar aggregate classification (germline): Uncertain significance (1 of 4 stars; one submission).

gnomAD v4.1: 46 of 1,613,742 alleles (0.0029%); highest among the groups gnomAD compares: Non-Finnish European, 0.0037%; no homozygotes.

Submission:

Labcorp Genetics (formerly Invitae), Labcorp
Classification: Uncertain significance. Last evaluated: 2025-04-28. Review status: criteria provided, single submitter. Criteria: Invitae Variant Classification Sherloc (09022015). Collection method: clinical testing. Allele origin: germline.
Comment: This sequence change replaces arginine, which is basic and polar, with threonine, which is neutral and polar, at codon 309 of the NIN protein (p.Arg309Thr). This variant is present in population databases (rs753626523, gnomAD 0.01%). This variant has not been reported in the literature in individuals affected with NIN-related conditions. An algorithm developed to predict the effect of missense changes on protein structure and function (PolyPhen-2) suggests that this variant is likely to be tolerated. In summary, the available evidence is currently insufficient to determine the role of this variant in disease. Therefore, it has been classified as a Variant of Uncertain Significance.